The following is an entry in ClinVar:

ClinVar aggregate classification (germline): Uncertain significance (1 of 4 stars; one submission).

Conditions:
Renal coloboma syndrome (PAPRS). Also called: PAPILLORENAL SYNDROME; COLOBOMA OF OPTIC NERVE WITH RENAL DISEASE; OPTIC COLOBOMA, VESICOURETERAL REFLUX, AND RENAL ANOMALIES; OPTIC NERVE COLOBOMA WITH RENAL DISEASE; RENAL-COLOBOMA SYNDROME WITH MACULAR ABNORMALITIES; PAPILLORENAL SYNDROME WITH MILD OCULAR ABNORMALITIES. Identifiers: Orphanet 1475, MedGen C1852759, MONDO:0007352, OMIM 120330.

Submission:

MVZ Medizinische Genetik Mainz
Classification: Uncertain significance for Renal coloboma syndrome. Last evaluated: 2025-05-09. Review status: criteria provided, single submitter. Criteria: UK Practice Guidelines For Variant Classification V4 01 2020. Collection method: clinical testing. Allele origin: germline. Inheritance: Autosomal dominant inheritance. Affected: yes. Observed: 1 variant allele.
Comment: ACMG Criteria: PM2_SUP

NM_000278.5(PAX2):c.982G>A (p.Gly328Arg)

Gene: PAX2 (paired box 2; plus strand). Cytogenetic location: 10q24.31.
Variant type: single nucleotide variant.
Coding change: c.982G>A on transcript NM_000278.5 (MANE Select); coding-DNA position 982, G replaced by A.
Protein change: p.Gly328Arg; replaces glycine 328 with arginine.
Molecular consequence: missense variant.
Genome position (GRCh38, 1-based): chr10:100,824,710, G>A. VCF-style: chr10-100824710-G-A. GRCh37 (hg19) VCF-style: chr10-102584467-G-A.
Other names: c.1075G>A, p.Gly359Arg (NM_001304569.2); c.1051G>A, p.Gly351Arg (NM_003987.5, NM_003990.5); c.982G>A, p.Gly328Arg (NM_003988.5, NM_003989.5); short protein forms G328R, G351R, G359R.
Identifiers: ClinVar variation 4526561 (VCV004526561.1).